The following is an entry in ClinVar:

NM_001395413.1(POR):c.1806+8G>A

Gene: POR (cytochrome p450 oxidoreductase; plus strand). Cytogenetic location: 7q11.23.
Variant type: single nucleotide variant.
Coding change: c.1806+8G>A on transcript NM_001395413.1 (MANE Select); 8 bases into the intron after coding-DNA position 1806, G replaced by A.
Molecular consequence: intron variant.
Genome position (GRCh38, 1-based): chr7:75,986,076, G>A. VCF-style: chr7-75986076-G-A. GRCh37 (hg19) VCF-style: chr7-75615394-G-A.
Other names: c.1656+8G>A (NM_001382662.3); c.1806+8G>A (NM_001382659.3, NM_001367562.3, NM_001382658.3 and 1 more transcripts); c.1860+8G>A (NM_001382655.3).
Identifiers: ClinVar variation 360719 (VCV000360719.25), dbSNP rs72557952, ClinGen allele CA4304284.
Genomic context (GRCh38, chr7:75,986,076, plus strand): 5'-ACGGTGCGCTCACCCAGCTCAACGTGGCCTTCTCCCGGGAGCAGTCCCACAAGGTGAGAC[G>A]GGCGGGCACCCACGAAGGTGGGCATGAGGCTGGCAGGGCCACAGCCACAGTGCCCCCCTC-3'

ClinVar aggregate classification (germline): Conflicting classifications of pathogenicity. Review status: criteria provided, conflicting classifications (1 of 4 stars). 7 submissions from 7 submitters: Uncertain significance (1); Benign (1); Likely benign (3). 2 of the submissions do not count toward it. Last evaluated 2026-01-22.

Conditions:
Congenital adrenal hyperplasia due to cytochrome P450 oxidoreductase deficiency. Also called: DISORDERED STEROIDOGENESIS DUE TO POR DEFICIENCY. Identifiers: Orphanet 95699, MedGen C1860042, MONDO:0013310, OMIM 613571.

Allele frequency attached by ClinVar (database versions not stated): gnomAD 0.00024 and 0.00036; TOPMed 0.00043; gnomAD exomes 0.00065; ExAC 0.00090; 1000 Genomes Project 0.00240; 1000 Genomes Project 30x 0.00250.
gnomAD v4.1: 420 of 1,564,078 alleles (0.027%); highest among the groups gnomAD compares: East Asian, 0.75%; 2 homozygotes.

Submissions (7):

Labcorp Genetics (formerly Invitae), Labcorp
Classification: Benign for Congenital adrenal hyperplasia due to cytochrome P450 oxidoreductase deficiency. Last evaluated: 2026-01-22. Review status: criteria provided, single submitter. Criteria: Invitae Variant Classification Sherloc (09022015). Collection method: clinical testing. Allele origin: germline.

Blueprint Genetics
Classification: Likely benign. Last evaluated: 2024-07-02. Review status: criteria provided, single submitter. Criteria: ACMG Guidelines, 2015. Collection method: clinical testing. Allele origin: germline.

ARUP Laboratories, Molecular Genetics and Genomics, ARUP Laboratories
Classification: Likely benign. Last evaluated: 2021-09-10. Review status: criteria provided, single submitter. Criteria: ARUP Molecular Germline Variant Investigation Process 2021. Collection method: clinical testing. Allele origin: germline.

GeneDx
Classification: Likely benign. Last evaluated: 2018-06-01. Review status: criteria provided, single submitter. Criteria: GeneDx Variant Classification (06012015). Collection method: clinical testing. Allele origin: germline. Affected: yes.
Comment: This variant is considered likely benign or benign based on one or more of the following criteria: it is a conservative change, it occurs at a poorly conserved position in the protein, it is predicted to be benign by multiple in silico algorithms, and/or has population frequency not consistent with disease.

Illumina Laboratory Services, Illumina
Classification: Uncertain significance for Congenital adrenal hyperplasia due to cytochrome P450 oxidoreductase deficiency. Last evaluated: 2018-01-13. Review status: criteria provided, single submitter. Criteria: ICSL Variant Classification Criteria 13 December 2019. Collection method: clinical testing. Allele origin: germline.

Clinical Genetics DNA and cytogenetics Diagnostics Lab, Erasmus MC, Erasmus Medical Center
Classification: Likely benign. Review status: no assertion criteria provided. Collection method: clinical testing. Allele origin: germline. Affected: yes. Study: VKGL Data-share Consensus. Not counted in ClinVar's aggregate classification.

Genome Diagnostics Laboratory, University Medical Center Utrecht
Classification: Benign. Review status: no assertion criteria provided. Collection method: clinical testing. Allele origin: germline. Affected: yes. Study: VKGL Data-share Consensus. Not counted in ClinVar's aggregate classification.